The following is an entry in ClinVar:

ClinVar aggregate classification (germline): Likely pathogenic (1 of 4 stars; one submission).

Conditions:
Dilated cardiomyopathy 1G (CMD1G). Identifiers: Orphanet 154, MedGen C1858763, MONDO:0011400, OMIM 604145.

Submission:

Institute of Immunology and Genetics Kaiserslautern
Classification: Likely pathogenic for Dilated cardiomyopathy 1G. Last evaluated: 2025-07-29. Review status: criteria provided, single submitter. Criteria: ACMG Guidelines, 2015. Collection method: clinical testing. Allele origin: germline. Affected: yes.
Comment: ACMG Criteria: PVS1, PM2_P; Variant was found in heterozygous state.

NM_001267550.2(TTN):c.69413-2A>G

Genes: TTN (titin; minus strand), TTN-AS1 (TTN antisense RNA 1; plus strand). Cytogenetic location: 2q31.2.
Variant type: single nucleotide variant.
Coding change: c.69413-2A>G on transcript NM_001267550.2 (MANE Select); the canonical splice acceptor site of the intron before coding-DNA position 69413, A replaced by G.
Molecular consequence: splice acceptor variant.
Genome position (GRCh38, 1-based): chr2:178,576,833, T>C on the plus strand (A>G on the coding strand, the complement: TTN is on the minus strand). VCF-style: chr2-178576833-T-C. GRCh37 (hg19) VCF-style: chr2-179441560-T-C.
Other names: c.42218-2A>G (NM_003319.4); c.42794-2A>G (NM_133437.4); c.42593-2A>G (NM_133432.3); c.61709-2A>G (NM_133378.4); c.64490-2A>G (NM_001256850.1).
Identifiers: ClinVar variation 4279054 (VCV004279054.1).